The following is an entry in ClinVar:

ClinVar aggregate classification (germline): Uncertain significance (1 of 4 stars; one submission).

Conditions:
Inborn genetic diseases. Identifiers: MedGen C0950123, MeSH D030342.

Submission:

Ambry Genetics
Classification: Uncertain significance for Inborn genetic diseases. Last evaluated: 2026-07-13. Review status: criteria provided, single submitter. Criteria: Ambry Variant Classification Scheme 2023. Collection method: clinical testing. Allele origin: germline.
Comment: The c.5038G>C (p.V1680L) alteration is located in exon 26 (coding exon 26) of the SCN1A gene. This alteration results from a G to C substitution at nucleotide position 5038, causing the valine (V) at amino acid position 1680 to be replaced by a leucine (L). This variant was not reported in population-based cohorts in the Genome Aggregation Database (gnomAD). This amino acid position is highly conserved in available vertebrate species. This missense variant is located in a region that has a low rate of benign missense variation (Lek, 2016; Firth, 2009). This alteration is predicted to be deleterious by in silico analysis. Based on insufficient or conflicting evidence, the clinical significance of this alteration remains unclear.

NM_001165963.4(SCN1A):c.5038G>C (p.Val1680Leu)

Genes: SCN1A (sodium voltage-gated channel alpha subunit 1; minus strand), LOC102724058 (uncharacterized LOC102724058; plus strand). Cytogenetic location: 2q24.3.
Variant type: single nucleotide variant.
Coding change: c.5038G>C on transcript NM_001165963.4 (MANE Select); coding-DNA position 5038, G replaced by C.
Protein change: p.Val1680Leu; replaces valine 1680 with leucine.
Molecular consequence: missense variant. On other transcripts: non-coding transcript variant (1).
Genome position (GRCh38, 1-based): chr2:165,992,237, C>G on the plus strand (G>C on the coding strand, the complement: SCN1A is on the minus strand). VCF-style: chr2-165992237-C-G. GRCh37 (hg19) VCF-style: chr2-166848747-C-G.
Other names: c.5038G>C, p.Val1680Leu (NM_001353948.2, NM_001202435.3); c.5005G>C, p.Val1669Leu (NM_001353949.2, NM_001353950.2, NM_001353951.2 and 2 more transcripts); c.5002G>C, p.Val1668Leu (NM_001353954.2, NM_001353955.2); c.4954G>C, p.Val1652Leu (NM_001353957.2, NM_001353958.2, NM_001165964.3); c.4951G>C, p.Val1651Leu (NM_001353960.2); c.2596G>C, p.Val866Leu (NM_001353961.2); short protein forms V1652L, V866L, V1668L, V1651L, V1669L, V1680L.
Identifiers: ClinVar variation 5029116 (VCV005029116.1).